The following is an entry in ClinVar:

NM_053013.4(ENO3):c.639C>A (p.Phe213Leu)

Gene: ENO3 (enolase 3; plus strand). Cytogenetic location: 17p13.2.
Variant type: single nucleotide variant.
Coding change: c.639C>A on transcript NM_053013.4 (MANE Select); coding-DNA position 639, C replaced by A.
Protein change: p.Phe213Leu; replaces phenylalanine 213 with leucine.
Molecular consequence: missense variant.
Genome position (GRCh38, 1-based): chr17:4,955,269, C>A. VCF-style: chr17-4955269-C-A. GRCh37 (hg19) VCF-style: chr17-4858564-C-A.
Other names: c.510C>A, p.Phe170Leu (NM_001193503.2); c.639C>A, p.Phe213Leu (NM_001374523.1, NM_001976.5); c.666C>A, p.Phe222Leu (NM_001374524.1); short protein forms F170L, F222L, F213L.
Identifiers: ClinVar variation 1438524 (VCV001438524.3), dbSNP rs373847361, ClinGen allele CA287175950.

ClinVar aggregate classification (germline): Uncertain significance (1 of 4 stars; one submission).

Conditions:
Glycogen storage disease due to muscle beta-enolase deficiency (GSD13). Also called: ENOLASE 3 DEFICIENCY; ENOLASE-BETA DEFICIENCY; GSD XIII; Glycogen Storage Disease Type XIII. Identifiers: Orphanet 99849, MedGen C2752027, MONDO:0013046, OMIM 612932.

gnomAD v4.1: 18 of 1,614,132 alleles (0.0011%); highest among the groups gnomAD compares: African/African-American, 0.016%; no homozygotes.

Submission:

Labcorp Genetics (formerly Invitae), Labcorp
Classification: Uncertain significance for Glycogen storage disease due to muscle beta-enolase deficiency. Last evaluated: 2021-11-06. Review status: criteria provided, single submitter. Criteria: Invitae Variant Classification Sherloc (09022015). Collection method: clinical testing. Allele origin: germline.
Comment: This sequence change replaces phenylalanine, which is neutral and non-polar, with leucine, which is neutral and non-polar, at codon 213 of the ENO3 protein (p.Phe213Leu). This variant is present in population databases (no rsID available, gnomAD 0.01%). This variant has not been reported in the literature in individuals affected with ENO3-related conditions. Algorithms developed to predict the effect of missense changes on protein structure and function are either unavailable or do not agree on the potential impact of this missense change (SIFT: "Tolerated"; PolyPhen-2: "Probably Damaging"; Align-GVGD: "Class C0"). In summary, the available evidence is currently insufficient to determine the role of this variant in disease. Therefore, it has been classified as a Variant of Uncertain Significance.